The following is an entry in ClinVar:

NM_000428.3(LTBP2):c.4941C>T (p.Ala1647=)

Gene: LTBP2 (latent transforming growth factor beta binding protein 2; minus strand). Cytogenetic location: 14q24.3.
Variant type: single nucleotide variant.
Coding change: c.4941C>T on transcript NM_000428.3 (MANE Select); coding-DNA position 4941, C replaced by T.
Protein change: p.Ala1647=; no amino-acid change (alanine 1647 retained).
Molecular consequence: synonymous variant.
Genome position (GRCh38, 1-based): chr14:74,502,882, G>A on the plus strand (C>T on the coding strand, the complement: LTBP2 is on the minus strand). VCF-style: chr14-74502882-G-A. GRCh37 (hg19) VCF-style: chr14-74969585-G-A.
Identifiers: ClinVar variation 1599078 (VCV001599078.23), dbSNP rs199805158, ClinGen allele CA7268573.

ClinVar aggregate classification (germline): Benign/Likely benign. Review status: criteria provided, multiple submitters, no conflicts (2 of 4 stars). 3 submissions from 3 submitters: Benign (1); Likely benign (2). Last evaluated 2025-07-03.

Allele frequency attached by ClinVar (database versions not stated): gnomAD 0.00003 and 0.00013; TOPMed 0.00005; gnomAD exomes 0.00042; ExAC 0.00048; 1000 Genomes Project 0.00060; 1000 Genomes Project 30x 0.00062.
gnomAD v4.1: 357 of 1,613,430 alleles (0.022%); highest among the groups gnomAD compares: South Asian, 0.33%; 8 homozygotes.

Submissions (3):

Labcorp Genetics (formerly Invitae), Labcorp
Classification: Benign. Last evaluated: 2025-07-03. Review status: criteria provided, single submitter. Criteria: Invitae Variant Classification Sherloc (09022015). Collection method: clinical testing. Allele origin: germline.

Blueprint Genetics
Classification: Likely benign. Last evaluated: 2024-10-15. Review status: criteria provided, single submitter. Criteria: ACMG Guidelines, 2015. Collection method: clinical testing. Allele origin: germline.

CeGaT Center for Human Genetics Tuebingen
Classification: Likely benign. Last evaluated: 2024-09-01. Review status: criteria provided, single submitter. Criteria: CeGaT Center For Human Genetics Tuebingen Variant Classification Criteria Version 2. Collection method: clinical testing. Allele origin: germline. Affected: yes. Observed: 1 variant allele.
Comment: LTBP2: BP4, BP7